The following is an entry in ClinVar:

NM_000079.4(CHRNA1):c.1348C>T (p.Leu450Phe)

Gene: CHRNA1 (cholinergic receptor nicotinic alpha 1 subunit; minus strand). Cytogenetic location: 2q31.1.
Variant type: single nucleotide variant.
Coding change: c.1348C>T on transcript NM_000079.4 (MANE Select); coding-DNA position 1348, C replaced by T.
Protein change: p.Leu450Phe; replaces leucine 450 with phenylalanine.
Molecular consequence: missense variant.
Genome position (GRCh38, 1-based): chr2:174,748,150, G>A on the plus strand (C>T on the coding strand, the complement: CHRNA1 is on the minus strand). VCF-style: chr2-174748150-G-A. GRCh37 (hg19) VCF-style: chr2-175612878-G-A.
Other names: c.1423C>T, p.Leu475Phe (NM_001039523.3); short protein forms L450F, L475F.
Identifiers: ClinVar variation 2810374 (VCV002810374.3), dbSNP rs2468885722, ClinGen allele CA349333157.

ClinVar aggregate classification (germline): Uncertain significance (1 of 4 stars; one submission).

Conditions:
Lethal multiple pterygium syndrome (LMPS). Identifiers: Orphanet 33108, MedGen C1854678, MONDO:0009668, OMIM 253290.

Submission:

Labcorp Genetics (formerly Invitae), Labcorp
Classification: Uncertain significance for Lethal multiple pterygium syndrome. Last evaluated: 2023-07-14. Review status: criteria provided, single submitter. Criteria: Invitae Variant Classification Sherloc (09022015). Collection method: clinical testing. Allele origin: germline.
Comment: Advanced modeling of protein sequence and biophysical properties (such as structural, functional, and spatial information, amino acid conservation, physicochemical variation, residue mobility, and thermodynamic stability) performed at Invitae indicates that this missense variant is not expected to disrupt CHRNA1 protein function. In summary, the available evidence is currently insufficient to determine the role of this variant in disease. Therefore, it has been classified as a Variant of Uncertain Significance. This variant has not been reported in the literature in individuals affected with CHRNA1-related conditions. This variant is not present in population databases (gnomAD no frequency). This sequence change replaces leucine, which is neutral and non-polar, with phenylalanine, which is neutral and non-polar, at codon 450 of the CHRNA1 protein (p.Leu450Phe).